The following is an entry in ClinVar:

ClinVar aggregate classification (germline): Uncertain significance (1 of 4 stars; one submission).

Conditions:
Long QT syndrome (LQTS). Identifiers: MedGen C0023976, MeSH D008133, MONDO:0002442. Disease mechanism: loss of function. Inheritance: Various modes of inheritance.

Submissions (2):

Labcorp Genetics (formerly Invitae), Labcorp
Classification: Uncertain significance for Long QT syndrome. Last evaluated: 2022-03-18. Review status: criteria provided, single submitter. Criteria: Invitae Variant Classification Sherloc (09022015). Collection method: clinical testing. Allele origin: germline.
Comment: In summary, the available evidence is currently insufficient to determine the role of this variant in disease. Therefore, it has been classified as a Variant of Uncertain Significance. Algorithms developed to predict the effect of missense changes on protein structure and function (SIFT, PolyPhen-2, Align-GVGD) all suggest that this variant is likely to be tolerated. ClinVar contains an entry for this variant (Variation ID: 1016362). This variant has not been reported in the literature in individuals affected with KCNE1-related conditions. This variant is not present in population databases (gnomAD no frequency). This sequence change replaces proline, which is neutral and non-polar, with threonine, which is neutral and polar, at codon 11 of the KCNE1 protein (p.Pro11Thr).

Roden Lab, Vanderbilt University Medical Center
No classification provided (evidence only). Condition: Long QT syndrome 5. Review status: no classification provided. Collection method: in vitro. Allele origin: not applicable. Functional consequence: Effect on ion channel function. Not counted in ClinVar's aggregate classification.
ClinVar note: "not provided" was previously submitted as the classification for the variant. However, the classification appeared to be based only on an observation of functional data so it was converted to no classification on 2025-07-30.

NM_000219.6(KCNE1):c.31C>A (p.Pro11Thr)

Gene: KCNE1 (potassium voltage-gated channel subfamily E regulatory subunit 1; minus strand). Cytogenetic location: 21q22.12.
Variant type: single nucleotide variant.
Coding change: c.31C>A on transcript NM_000219.6 (MANE Select); coding-DNA position 31, C replaced by A.
Protein change: p.Pro11Thr; replaces proline 11 with threonine.
Molecular consequence: missense variant.
Genome position (GRCh38, 1-based): chr21:34,449,604, G>T on the plus strand (C>A on the coding strand, the complement: KCNE1 is on the minus strand). VCF-style: chr21-34449604-G-T. GRCh37 (hg19) VCF-style: chr21-35821902-G-T.
Other names: c.31C>A, p.Pro11Thr (NM_001127668.4, NM_001127669.4, NM_001127670.4 and 4 more transcripts); short protein forms P11T.
Identifiers: ClinVar variation 1016362 (VCV001016362.10), dbSNP rs775325455, ClinGen allele CA410198615.